The following is an entry in ClinVar:

ClinVar aggregate classification (germline): Likely benign. Review status: criteria provided, multiple submitters, no conflicts (2 of 4 stars). 5 submissions from 5 submitters: Likely benign (5). Last evaluated 2025-09-27.

Conditions:
Cardiovascular phenotype. Identifiers: MedGen CN230736.
Cardiac arrhythmia. Also called: Cardiac rhythm disease; Arrhythmia. Identifiers: MedGen C0003811, MONDO:0007263, HP:0011675.
Long QT syndrome (LQTS). Identifiers: MedGen C0023976, MeSH D008133, MONDO:0002442. Disease mechanism: loss of function. Inheritance: Various modes of inheritance.

Allele frequency attached by ClinVar (database versions not stated): gnomAD exomes 0.00001; gnomAD 0.00002; TOPMed 0.00002.
gnomAD v4.1: 16 of 1,532,852 alleles (0.001%); highest among the groups gnomAD compares: Middle Eastern, 0.018%; no homozygotes.

Submissions (5):

Labcorp Genetics (formerly Invitae), Labcorp
Classification: Likely benign for Long QT syndrome. Last evaluated: 2025-09-27. Review status: criteria provided, single submitter. Criteria: Invitae Variant Classification Sherloc (09022015). Collection method: clinical testing. Allele origin: germline.

All of Us Research Program, National Institutes of Health
Classification: Likely benign for Long QT syndrome. Last evaluated: 2023-09-17. Review status: criteria provided, single submitter. Criteria: ACMG Guidelines, 2015. Collection method: clinical testing. Allele origin: germline. Inheritance: Autosomal dominant inheritance. Observed: 4 variant alleles, 4 heterozygotes.
Comment: This study involves interpretation of variants in research participants for the purpose of population health screening. Participant phenotype was not available at the time of variant classification. Additional details can be found in publication PMID: 35346344, PMCID: PMC8962531

Blueprint Genetics
Classification: Likely benign. Last evaluated: 2023-05-24. Review status: criteria provided, single submitter. Criteria: ACMG Guidelines, 2015. Collection method: clinical testing. Allele origin: germline.

Color Diagnostics, LLC DBA Color Health
Classification: Likely benign for Arrhythmia. Last evaluated: 2018-11-08. Review status: criteria provided, single submitter. Criteria: ACMG Guidelines, 2015. Collection method: clinical testing. Allele origin: germline.

Ambry Genetics
Classification: Likely benign for Cardiovascular phenotype. Last evaluated: 2016-06-22. Review status: criteria provided, single submitter. Criteria: Ambry Variant Classification Scheme 2023. Collection method: clinical testing. Allele origin: germline.

NM_000238.4(KCNH2):c.3075C>T (p.Ile1025=)

Gene: KCNH2 (potassium voltage-gated channel subfamily H member 2; minus strand). Cytogenetic location: 7q36.1.
Variant type: single nucleotide variant.
Coding change: c.3075C>T on transcript NM_000238.4 (MANE Select); coding-DNA position 3075, C replaced by T.
Protein change: p.Ile1025=; no amino-acid change (isoleucine 1025 retained).
Molecular consequence: synonymous variant.
Genome position (GRCh38, 1-based): chr7:150,947,405, G>A on the plus strand (C>T on the coding strand, the complement: KCNH2 is on the minus strand). VCF-style: chr7-150947405-G-A. GRCh37 (hg19) VCF-style: chr7-150644493-G-A.
Other names: c.2055C>T, p.Ile685= (NM_172057.3).
Identifiers: ClinVar variation 519291 (VCV000519291.19), dbSNP rs76547432, ClinGen allele CA169071959.